The following is an entry in ClinVar:

ClinVar aggregate classification (germline): Benign/Likely benign. Review status: criteria provided, multiple submitters, no conflicts (2 of 4 stars). 10 submissions from 9 submitters: Benign (4); Likely benign (2). 4 of the submissions do not count toward it. Last evaluated 2026-09-01.

Conditions:
Basal cell nevus syndrome 1 (BCNS1). Also called: GORLIN-GOLTZ SYNDROME; MULTIPLE BASAL CELL NEVI, ODONTOGENIC KERATOCYSTS, AND SKELETAL ANOMALIES. Identifiers: MedGen CN376810, MONDO:0958174, OMIM 109400.
Basal cell carcinoma, susceptibility to, 1. Also called: BCC1. Identifiers: MedGen C2751544, MONDO:0011556, OMIM 605462.
Gorlin syndrome. Also called: Nevoid Basal Cell Carcinoma Syndrome; Basal cell nevus syndrome. Identifiers: Orphanet 377, MedGen C0004779, MONDO:0007187.
PTCH2-related disorder. Also called: PTCH2-related condition; PTCH2-related disease.

Allele frequency attached by ClinVar (database versions not stated): 1000 Genomes Project 30x 0.00281; 1000 Genomes Project 0.00319; TOPMed 0.00786; ESP Exome Variant Server 0.01007.
gnomAD v4.1: 19,063 of 1,614,188 alleles (1.2%); highest among the groups gnomAD compares: Non-Finnish European, 1.4%; 126 homozygotes.

Submissions (10):

CeGaT Center for Human Genetics Tuebingen
Classification: Benign. Last evaluated: 2026-09-01. Review status: criteria provided, single submitter. Criteria: CeGaT Center For Human Genetics Tuebingen Variant Classification Criteria Version 2. Collection method: clinical testing. Allele origin: germline. Affected: yes. Observed: 133 variant alleles.
Comment: PTCH2: BS1, BS2

Labcorp Genetics (formerly Invitae), Labcorp
Classification: Benign for Gorlin syndrome. Last evaluated: 2026-02-03. Review status: criteria provided, single submitter. Criteria: Invitae Variant Classification Sherloc (09022015). Collection method: clinical testing. Allele origin: germline.

KCCC/NGS Laboratory, Kuwait Cancer Control Center
Classification: Benign for Basal cell nevus syndrome 1. Last evaluated: 2025-02-01. Review status: criteria provided, single submitter. Criteria: ACMG Guidelines, 2015. Collection method: clinical testing. Allele origin: germline. Affected: no.

KCCC/NGS Laboratory, Kuwait Cancer Control Center
Classification: Benign for Basal cell carcinoma, susceptibility to, 1. Last evaluated: 2023-07-07. Review status: criteria provided, single submitter. Criteria: ACMG Guidelines, 2015. Collection method: clinical testing. Allele origin: germline. Affected: yes.

GeneDx
Classification: Likely benign. Last evaluated: 2022-04-01. Review status: criteria provided, single submitter. Criteria: GeneDx Variant Classification Process June 2021. Collection method: clinical testing. Allele origin: germline. Affected: yes.
Comment: This variant is associated with the following publications: (PMID: 29230040)

Breakthrough Genomics
Classification: Likely benign. Review status: criteria provided, single submitter. Criteria: ACMG Guidelines, 2015. Collection method: not provided. Allele origin: germline. Inheritance: Autosomal dominant inheritance. Affected: yes.

PreventionGenetics, part of Exact Sciences
Classification: Benign for PTCH2-related condition. Last evaluated: 2020-02-18. Review status: no assertion criteria provided. Collection method: clinical testing. Allele origin: germline. Not counted in ClinVar's aggregate classification.
Comment: This variant is classified as benign based on ACMG/AMP sequence variant interpretation guidelines (Richards et al. 2015 PMID: 25741868, with internal and published modifications).

Department of Pathology and Laboratory Medicine, Sinai Health System
Classification: Likely benign. Review status: no assertion criteria provided. Collection method: clinical testing. Allele origin: unknown. Affected: yes. Study: The Canadian Open Genetics Repository (COGR). Not counted in ClinVar's aggregate classification.
Comment: The PTCH2 p.His622Tyr variant was not identified in the Cosmic database but was identified in dbSNP (ID: rs11573586), ClinVar (reported by Invitae as benign for Basal cell nervus syndrome.), Clinvitae, MutDB (categorized as a polymorphism by SwissProt) and LOVD 3.0. The variant was identified in control databases in 2717 of 282218 chromosomes (26 homozygous) at a frequency of 0.009627 increasing the likelihood this could be a low frequency benign variant (Genome Aggregation Database Feb 27, 2017). The variant was observed in the following populations: European (non-Finnish) in 2003 of 128572 chromosomes (freq: 0.01558), European (Finnish) in 315 of 25086 chromosomes (freq: 0.01256), other in 62 of 7220 chromosomes (freq: 0.008587), South Asian in 159 of 30616 chromosomes (freq: 0.005193), Ashkenazi Jewish in 42 of 10368 chromosomes (freq: 0.004051), African in 56 of 24968 chromosomes (freq: 0.002243), Latino in 78 of 35434 chromosomes (freq: 0.002201) and East Asian in 2 of 19954 chromosomes (freq: 0.0001). The variant was identified in a patient with rhabdomyosarcoma with a maternally inherited PTCH1 mutation and the p.H622Y PTCH2 mutation inherited paternally (Taeubner_2017_29230040). This variant was also identified in two patients with basal cell carcinomas, however these patients also had PTCH1 mutations (Skvara_2011_21430703). The p.His622Tyr residue is not conserved in mammals and four out of five computational analyses (PolyPhen-2, SIFT, AlignGVGD, BLOSUM) do not suggest a high likelihood of impact to the protein; however, this information is not predictive enough to rule out pathogenicity. In summary, based on the above information the clinical significance of this variant cannot be determined with certainty at this time although we would lean towards a more benign role for this variant. This variant is classified as likely benign.

Genome Diagnostics Laboratory, Amsterdam University Medical Center
Classification: Benign. Review status: no assertion criteria provided. Collection method: clinical testing. Allele origin: germline. Affected: yes. Study: VKGL Data-share Consensus. Not counted in ClinVar's aggregate classification.

Laboratory of Diagnostic Genome Analysis, Leiden University Medical Center (LUMC)
Classification: Benign. Review status: no assertion criteria provided. Collection method: clinical testing. Allele origin: germline. Affected: yes. Study: VKGL Data-share Consensus. Not counted in ClinVar's aggregate classification.

NM_003738.5(PTCH2):c.1864C>T (p.His622Tyr)

Gene: PTCH2 (patched 2; minus strand). Cytogenetic location: 1p34.1.
Variant type: single nucleotide variant.
Coding change: c.1864C>T on transcript NM_003738.5 (MANE Select); coding-DNA position 1864, C replaced by T.
Protein change: p.His622Tyr; replaces histidine 622 with tyrosine.
Molecular consequence: missense variant.
Genome position (GRCh38, 1-based): chr1:44,828,037, G>A on the plus strand (C>T on the coding strand, the complement: PTCH2 is on the minus strand). VCF-style: chr1-44828037-G-A. GRCh37 (hg19) VCF-style: chr1-45293709-G-A.
Other names: c.1864C>T, p.His622Tyr (NM_001166292.2); short protein forms H622Y.
Identifiers: ClinVar variation 239555 (VCV000239555.48), dbSNP rs11573586, ClinGen allele CA823156.